The following is an entry in ClinVar:

NM_004752.4(GCM2):c.462G>A (p.Lys154=)

Gene: GCM2 (glial cells missing transcription factor 2; minus strand). Cytogenetic location: 6p24.2.
Variant type: single nucleotide variant.
Coding change: c.462G>A on transcript NM_004752.4 (MANE Select); coding-DNA position 462, G replaced by A.
Protein change: p.Lys154=; no amino-acid change (lysine 154 retained).
Molecular consequence: synonymous variant.
Genome position (GRCh38, 1-based): chr6:10,876,011, C>T on the plus strand (G>A on the coding strand, the complement: GCM2 is on the minus strand). VCF-style: chr6-10876011-C-T. GRCh37 (hg19) VCF-style: chr6-10876244-C-T.
Identifiers: ClinVar variation 355014 (VCV000355014.14), dbSNP rs61734276, ClinGen allele CA3634058.

ClinVar aggregate classification (germline): Benign. Review status: criteria provided, multiple submitters, no conflicts (2 of 4 stars). 3 submissions from 3 submitters: Benign (3). Last evaluated 2026-02-01.

Conditions:
Familial hypoparathyroidism. Also called: Familial isolated hypoparathyroidism. Identifiers: Orphanet 2238, MedGen C1832648, MONDO:0016390.

Allele frequency attached by ClinVar (database versions not stated): gnomAD exomes 0.00318 and 0.00796; ExAC 0.00997; gnomAD 0.02827 and 0.03037; 1000 Genomes Project 0.03115; TOPMed 0.03196; ESP Exome Variant Server 0.03252; 1000 Genomes Project 30x 0.03357.

Submissions (3):

Labcorp Genetics (formerly Invitae), Labcorp
Classification: Benign. Last evaluated: 2026-02-01. Review status: criteria provided, single submitter. Criteria: Invitae Variant Classification Sherloc (09022015). Collection method: clinical testing. Allele origin: germline.

GeneDx
Classification: Benign. Last evaluated: 2021-05-04. Review status: criteria provided, single submitter. Criteria: GeneDx Variant Classification Process June 2021. Collection method: clinical testing. Allele origin: germline. Affected: yes.

Illumina Laboratory Services, Illumina
Classification: Benign for Hypoparathyroidism, familial isolated 1. Last evaluated: 2018-01-13. Review status: criteria provided, single submitter. Criteria: ICSL Variant Classification Criteria 13 December 2019. Collection method: clinical testing. Allele origin: germline.
Comment: This variant was observed in the ICSL laboratory as part of a predisposition screen in an ostensibly healthy population. It had not been previously curated by ICSL or reported in the Human Gene Mutation Database (HGMD: prior to June 1st, 2018), and was therefore a candidate for classification through an automated scoring system. Utilizing variant allele frequency, disease prevalence and penetrance estimates, and inheritance mode, an automated score was calculated to assess if this variant is too frequent to cause the disease. Based on the score and internal cut-off values, a variant classified as benign is not then subjected to further curation. The score for this variant resulted in a classification of benign for this disease.